The following is an entry in ClinVar:

ClinVar aggregate classification (germline): Uncertain significance. Review status: criteria provided, multiple submitters, no conflicts (2 of 4 stars). 2 submissions from 2 submitters: Uncertain significance (2). Last evaluated 2024-03-01.

Conditions:
Epilepsy. Also called: Seizure disorder. Identifiers: MedGen C0014544, MeSH D004827, MONDO:0005027.
Inborn genetic diseases. Identifiers: MedGen C0950123, MeSH D030342.

Allele frequency attached by ClinVar (database versions not stated): gnomAD 0.00001; gnomAD exomes 0.00001; TOPMed 0.00005.
gnomAD v4.1: 10 of 1,605,654 alleles (0.00062%); highest among the groups gnomAD compares: African/African-American, 0.0013%; no homozygotes.

Submissions (2):

Ambry Genetics
Classification: Uncertain significance for Inborn genetic diseases. Last evaluated: 2024-03-01. Review status: criteria provided, single submitter. Criteria: Ambry Variant Classification Scheme 2023. Collection method: clinical testing. Allele origin: germline.

Labcorp Genetics (formerly Invitae), Labcorp
Classification: Uncertain significance for Epilepsy. Last evaluated: 2022-03-01. Review status: criteria provided, single submitter. Criteria: Invitae Variant Classification Sherloc (09022015). Collection method: clinical testing. Allele origin: germline.
Comment: This sequence change replaces phenylalanine, which is neutral and non-polar, with valine, which is neutral and non-polar, at codon 7 of the PIGQ protein (p.Phe7Val). This variant is present in population databases (no rsID available, gnomAD 0.002%). This variant has not been reported in the literature in individuals affected with PIGQ-related conditions. ClinVar contains an entry for this variant (Variation ID: 1054114). Algorithms developed to predict the effect of missense changes on protein structure and function are either unavailable or do not agree on the potential impact of this missense change (SIFT: "Deleterious"; PolyPhen-2: "Probably Damaging"; Align-GVGD: "Class C0"). In summary, the available evidence is currently insufficient to determine the role of this variant in disease. Therefore, it has been classified as a Variant of Uncertain Significance.

NM_004204.5(PIGQ):c.19T>G (p.Phe7Val)

Gene: PIGQ (phosphatidylinositol glycan anchor biosynthesis class Q; plus strand). Cytogenetic location: 16p13.3.
Variant type: single nucleotide variant.
Coding change: c.19T>G on transcript NM_004204.5 (MANE Select); coding-DNA position 19, T replaced by G.
Protein change: p.Phe7Val; replaces phenylalanine 7 with valine.
Molecular consequence: missense variant.
Genome position (GRCh38, 1-based): chr16:574,093, T>G. VCF-style: chr16-574093-T-G. GRCh37 (hg19) VCF-style: chr16-624093-T-G.
Other names: c.19T>G, p.Phe7Val (NM_148920.4); c.19T>G (NM_148920.1); short protein forms F7V.
Identifiers: ClinVar variation 1054114 (VCV001054114.7), dbSNP rs887947608, ClinGen allele CA276481741.
Genomic context (GRCh38, chr16:574,093, plus strand): 5'-GCTCTGAGCCGAGCCTCTCCTCTTCTCTTCCAGCCTCCCGGCATGGTGCTCAAGGCCTTC[T>G]TCCCCACGTGCTGCGTCTCGACGGACAGCGGGCTGCTGGTGGGACGGTGGGTGCCGGAGC-3'
Protein context (NP_004195.2, residues 1-17): MVLKAF[Phe7Val]PTCCVSTDSG